The following is an entry in ClinVar:

ClinVar aggregate classification (germline): Pathogenic (1 of 4 stars; one submission).

Conditions:
LAMA2-related muscular dystrophy (LAMA2-RD). Also called: Laminin alpha 2-related dystrophy. Identifiers: MedGen C5679788, MONDO:0100228.

Submission:

Labcorp Genetics (formerly Invitae), Labcorp
Classification: Pathogenic for LAMA2-related muscular dystrophy. Last evaluated: 2020-09-10. Review status: criteria provided, single submitter. Criteria: Invitae Variant Classification Sherloc (09022015). Collection method: clinical testing. Allele origin: germline.
Comment: For these reasons, this variant has been classified as Pathogenic. Loss-of-function variants in LAMA2 are known to be pathogenic (PMID: 18700894). This variant has not been reported in the literature in individuals with LAMA2-related conditions. This variant is not present in population databases (ExAC no frequency). This sequence change creates a premature translational stop signal (p.Ala1292Leufs*4) in the LAMA2 gene. It is expected to result in an absent or disrupted protein product.

Literature cited by the submitters: PubMed 18700894.

NM_000426.4(LAMA2):c.3874del (p.Ala1292fs)

Gene: LAMA2 (laminin subunit alpha 2; plus strand). Cytogenetic location: 6q22.33.
Variant type: Deletion.
Coding change: c.3874del on transcript NM_000426.4 (MANE Select); coding-DNA position 3874, one base deleted (G; older notation c.3874delG).
Protein change: p.Ala1292fs; shifts the reading frame from alanine 1292.
Molecular consequence: frameshift variant.
Genome position (GRCh38, 1-based): chr6:129,315,900, G deleted; the last of 2 consecutive G bases (chr6:129,315,899-129,315,900); deleting either gives the same sequence. VCF-style (leftmost placement, unchanged base first): chr6-129315898-TG-T. GRCh37 (hg19) VCF-style: chr6-129637043-TG-T.
Other names: c.3874del, p.Ala1292fs (NM_001079823.2); short protein forms A1292fs.
Identifiers: ClinVar variation 1074894 (VCV001074894.7), dbSNP rs2114502447, ClinGen allele CA2499218071.